The following is an entry in ClinVar:

ClinVar aggregate classification (germline): Uncertain significance (1 of 4 stars; one submission).

Conditions:
Severe combined immunodeficiency due to DNA-PKcs deficiency. Also called: IMMUNODEFICIENCY 26 WITH NEUROLOGIC ABNORMALITIES; Immunodeficiency 26 with or without neurologic abnormalities. Identifiers: Orphanet 317425, MedGen C4014833, MONDO:0014423, OMIM 615966.

Submission:

Labcorp Genetics (formerly Invitae), Labcorp
Classification: Uncertain significance for Immunodeficiency 26 with or without neurologic abnormalities. Last evaluated: 2019-10-30. Review status: criteria provided, single submitter. Criteria: Invitae Variant Classification Sherloc (09022015). Collection method: clinical testing. Allele origin: germline.
Comment: This sequence change replaces leucine with phenylalanine at codon 3329 of the PRKDC protein (p.Leu3329Phe). The leucine residue is moderately conserved and there is a small physicochemical difference between leucine and phenylalanine. This variant is not present in population databases (ExAC no frequency). This variant has not been reported in the literature in individuals with PRKDC-related conditions. Algorithms developed to predict the effect of missense changes on protein structure and function are either unavailable or do not agree on the potential impact of this missense change (SIFT: "Tolerated"; PolyPhen-2: "Not available"; Align-GVGD: "Class C0"). In summary, the available evidence is currently insufficient to determine the role of this variant in disease. Therefore, it has been classified as a Variant of Uncertain Significance.

NM_006904.7(PRKDC):c.9985C>T (p.Leu3329Phe)

Gene: PRKDC (protein kinase, DNA-activated, catalytic subunit; minus strand). Cytogenetic location: 8q11.21.
Variant type: single nucleotide variant.
Coding change: c.9985C>T on transcript NM_006904.7 (MANE Select); coding-DNA position 9985, C replaced by T.
Protein change: p.Leu3329Phe; replaces leucine 3329 with phenylalanine.
Molecular consequence: missense variant.
Genome position (GRCh38, 1-based): chr8:47,800,924, G>A on the plus strand (C>T on the coding strand, the complement: PRKDC is on the minus strand). VCF-style: chr8-47800924-G-A. GRCh37 (hg19) VCF-style: chr8-48713485-G-A.
Other names: c.9985C>T, p.Leu3329Phe (NM_001081640.2); short protein forms L3329F.
Identifiers: ClinVar variation 969621 (VCV000969621.1), dbSNP rs2087093925, ClinGen allele CA371135826.
Genomic context (GRCh38, chr8:47,800,924, plus strand): 5'-CAAGGCAGGCTGGCTCACTGCTGAGAGCATTCGCTATGATCCTGTAAGTTGTACCCAAGA[G>A]AATGTTCTGGTCACGGAAAGCCAGAATATTTTTGCTTAAGTAGCTTGACACGTTGTTCTC-3'
Protein context (NP_008835.5, residues 3319-3339): NILAFRDQNI[Leu3329Phe]LGTTYRIIAN